The following is an entry in ClinVar:

NM_001363711.2(DUOX2):c.3759G>A (p.Pro1253=)

Gene: DUOX2 (dual oxidase 2; minus strand). Cytogenetic location: 15q21.1.
Variant type: single nucleotide variant.
Coding change: c.3759G>A on transcript NM_001363711.2 (MANE Select); coding-DNA position 3759, G replaced by A.
Protein change: p.Pro1253=; no amino-acid change (proline 1253 retained).
Molecular consequence: synonymous variant.
Genome position (GRCh38, 1-based): chr15:45,097,326, C>T on the plus strand (G>A on the coding strand, the complement: DUOX2 is on the minus strand). VCF-style: chr15-45097326-C-T. GRCh37 (hg19) VCF-style: chr15-45389524-C-T.
Other names: c.3759G>A, p.Pro1253= (NM_014080.5).
Identifiers: ClinVar variation 316145 (VCV000316145.19), dbSNP rs140663764, ClinGen allele CA7537735.

ClinVar aggregate classification (germline): Conflicting classifications of pathogenicity. Review status: criteria provided, conflicting classifications (1 of 4 stars). 4 submissions from 4 submitters: Uncertain significance (1); Benign (2). 1 of the submissions does not count toward it. Last evaluated 2026-05-12.

Conditions:
DUOX2-related disorder. Also called: DUOX2-related condition.
Thyroid dyshormonogenesis 6 (TDH6). Also called: HYPOTHYROIDISM, CONGENITAL, DUE TO DYSHORMONOGENESIS, 6; Genetic transient congenital hypothyroidism; THYROID HORMONOGENESIS, GENETIC DEFECT IN, 6. Identifiers: Orphanet 226316, Orphanet 95716, MedGen C1846632, MONDO:0011792, OMIM 607200.

Allele frequency attached by ClinVar (database versions not stated): 1000 Genomes Project 30x 0.00234; 1000 Genomes Project 0.00240; gnomAD 0.00307 and 0.00346; TOPMed 0.00326; ESP Exome Variant Server 0.00393; ExAC 0.00563.
gnomAD v4.1: 6,486 of 1,614,244 alleles (0.4%); highest among the groups gnomAD compares: Middle Eastern, 2.8%; 56 homozygotes.

Submissions (6):

Women's Health and Genetics/Laboratory Corporation of America, LabCorp
Classification: Benign. Last evaluated: 2026-05-12. Review status: criteria provided, single submitter. Criteria: LabCorp Variant Classification Summary - May 2015. Collection method: clinical testing. Allele origin: germline.

Labcorp Genetics (formerly Invitae), Labcorp
Classification: Benign. Last evaluated: 2026-01-28. Review status: criteria provided, single submitter. Criteria: Invitae Variant Classification Sherloc (09022015). Collection method: clinical testing. Allele origin: germline.

Illumina Laboratory Services, Illumina
Classification: Uncertain significance for Thyroid dyshormonogenesis 6. Last evaluated: 2018-01-12. Review status: criteria provided, single submitter. Criteria: ICSL Variant Classification Criteria 13 December 2019. Collection method: clinical testing. Allele origin: germline.

PreventionGenetics, part of Exact Sciences
Classification: Benign for DUOX2-related condition. Last evaluated: 2019-06-14. Review status: no assertion criteria provided. Collection method: clinical testing. Allele origin: germline. Not counted in ClinVar's aggregate classification.
Comment: This variant is classified as benign based on ACMG/AMP sequence variant interpretation guidelines (Richards et al. 2015 PMID: 25741868, with internal and published modifications).

Dr. Peter K. Rogan Lab, Western University
No classification provided (evidence only). Condition: Colon adenocarcinoma. Review status: no classification provided. Collection method: in vitro. Allele origin: not applicable. Functional consequence: skipped exon. Not counted in ClinVar's aggregate classification.

Dr. Peter K. Rogan Lab, Western University
No classification provided (evidence only). Condition: Gastric cancer. Review status: no classification provided. Collection method: in vitro. Allele origin: not applicable. Functional consequence: retained intron. Not counted in ClinVar's aggregate classification.